The following is an entry in ClinVar:

ClinVar aggregate classification (germline): Uncertain significance (1 of 4 stars; one submission).

Submission:

Labcorp Genetics (formerly Invitae), Labcorp
Classification: Uncertain significance. Last evaluated: 2024-10-16. Review status: criteria provided, single submitter. Criteria: Invitae Variant Classification Sherloc (09022015). Collection method: clinical testing. Allele origin: germline.
Comment: This sequence change replaces glycine, which is neutral and non-polar, with aspartic acid, which is acidic and polar, at codon 284 of the RDH5 protein (p.Gly284Asp). This variant is not present in population databases (gnomAD no frequency). This variant has not been reported in the literature in individuals affected with RDH5-related conditions. ClinVar contains an entry for this variant (Variation ID: 2134521). Invitae Evidence Modeling of protein sequence and biophysical properties (such as structural, functional, and spatial information, amino acid conservation, physicochemical variation, residue mobility, and thermodynamic stability) indicates that this missense variant is expected to disrupt RDH5 protein function with a positive predictive value of 80%. In summary, the available evidence is currently insufficient to determine the role of this variant in disease. Therefore, it has been classified as a Variant of Uncertain Significance.

NM_002905.5(RDH5):c.851G>A (p.Gly284Asp)

Genes: RDH5 (retinol dehydrogenase 5; plus strand), CD63 (CD63 molecule; minus strand), BLOC1S1-RDH5 (BLOC1S1-RDH5 readthrough; plus strand). Cytogenetic location: 12q13.2.
Variant type: single nucleotide variant.
Coding change: c.851G>A on transcript NM_002905.5 (MANE Select); coding-DNA position 851, G replaced by A.
Protein change: p.Gly284Asp; replaces glycine 284 with aspartic acid.
Molecular consequence: missense variant. On other transcripts: non-coding transcript variant (1), 3 prime UTR variant (2).
Genome position (GRCh38, 1-based): chr12:55,724,439, G>A. VCF-style: chr12-55724439-G-A. GRCh37 (hg19) VCF-style: chr12-56118223-G-A.
Other names: c.851G>A, p.Gly284Asp (NM_001199771.3); c.*625C>T (NM_001413284.1); c.*640C>T (NM_001413285.1); short protein forms G284D.
Identifiers: ClinVar variation 2134521 (VCV002134521.4), dbSNP rs2540177038, ClinGen allele CA385203503.